The following is an entry in ClinVar:

ClinVar aggregate classification (germline): Benign (1 of 4 stars; one submission).

Allele frequency attached by ClinVar (database versions not stated): 1000 Genomes Project 30x 0.13570; 1000 Genomes Project 0.13458; gnomAD 0.16500; TOPMed 0.16915.
gnomAD v4.1: 25,789 of 151,992 alleles (17%); highest among the groups gnomAD compares: South Asian, 18%; 2,310 homozygotes.

Submission:

GeneDx
Classification: Benign. Last evaluated: 2018-06-18. Review status: criteria provided, single submitter. Criteria: GeneDx Variant Classification (06012015). Collection method: clinical testing. Allele origin: germline. Affected: yes.
Comment: This variant is considered likely benign or benign based on one or more of the following criteria: it is a conservative change, it occurs at a poorly conserved position in the protein, it is predicted to be benign by multiple in silico algorithms, and/or has population frequency not consistent with disease.

NM_001386795.1(DTNA):c.2295+253C>T

Gene: DTNA (dystrobrevin alpha; plus strand). Cytogenetic location: 18q12.1.
Variant type: single nucleotide variant.
Coding change: c.2295+253C>T on transcript NM_001386795.1 (MANE Select); 253 bases into the intron after coding-DNA position 2295, C replaced by T.
Molecular consequence: intron variant.
Genome position (GRCh38, 1-based): chr18:34,882,454, C>T. VCF-style: chr18-34882454-C-T. GRCh37 (hg19) VCF-style: chr18-32462418-C-T.
Other names: c.2043+253C>T (NM_032975.4, NM_001386761.1); c.2040+253C>T (NM_001386762.1); c.2124+253C>T (NM_001386754.1, NM_001386755.1, NM_001386757.1 and 3 more transcripts); c.2121+253C>T (NM_001386760.1); c.2034+253C>T (NM_001386763.1, NM_001386764.1, NM_001198940.2 and 5 more transcripts); c.2031+253C>T (NM_001386768.1, NM_001386769.1); c.2055+253C>T (NM_001198939.2); c.2295+253C>T (NM_001386788.1); and 5 more.
Identifiers: ClinVar variation 683485 (VCV000683485.1), dbSNP rs8095931, ClinGen allele CA14514076.